The following is an entry in ClinVar:

ClinVar aggregate classification (germline): Uncertain significance. Review status: criteria provided, multiple submitters, no conflicts (2 of 4 stars). 3 submissions from 3 submitters: Uncertain significance (3). Last evaluated 2025-12-01.

Conditions:
Inborn genetic diseases. Identifiers: MedGen C0950123, MeSH D030342.

Allele frequency attached by ClinVar (database versions not stated): gnomAD exomes 0.00002; TOPMed 0.00002; gnomAD 0.00004; ExAC 0.00005.
gnomAD v4.1: 42 of 1,613,726 alleles (0.0026%); highest among the groups gnomAD compares: South Asian, 0.0055%; no homozygotes.

Submissions (3):

CeGaT Center for Human Genetics Tuebingen
Classification: Uncertain significance. Last evaluated: 2025-12-01. Review status: criteria provided, single submitter. Criteria: CeGaT Center For Human Genetics Tuebingen Variant Classification Criteria Version 2. Collection method: clinical testing. Allele origin: germline. Affected: yes. Observed: 1 variant allele.
Comment: LMNB1: PM2

Ambry Genetics
Classification: Uncertain significance for Inborn genetic diseases. Last evaluated: 2024-08-12. Review status: criteria provided, single submitter. Criteria: Ambry Variant Classification Scheme 2023. Collection method: clinical testing. Allele origin: germline.

Labcorp Genetics (formerly Invitae), Labcorp
Classification: Uncertain significance. Last evaluated: 2022-08-21. Review status: criteria provided, single submitter. Criteria: Invitae Variant Classification Sherloc (09022015). Collection method: clinical testing. Allele origin: germline.
Comment: This variant has not been reported in the literature in individuals affected with LMNB1-related conditions. In summary, the available evidence is currently insufficient to determine the role of this variant in disease. Therefore, it has been classified as a Variant of Uncertain Significance. Algorithms developed to predict the effect of missense changes on protein structure and function are either unavailable or do not agree on the potential impact of this missense change (SIFT: "Deleterious"; PolyPhen-2: "Benign"; Align-GVGD: "Class C0"). This variant is present in population databases (rs780837845, gnomAD 0.01%). This sequence change replaces arginine, which is basic and polar, with histidine, which is basic and polar, at codon 234 of the LMNB1 protein (p.Arg234His).

NM_005573.4(LMNB1):c.701G>A (p.Arg234His)

Gene: LMNB1 (lamin B1; plus strand). Cytogenetic location: 5q23.2.
Variant type: single nucleotide variant.
Coding change: c.701G>A on transcript NM_005573.4 (MANE Select); coding-DNA position 701, G replaced by A.
Protein change: p.Arg234His; replaces arginine 234 with histidine.
Molecular consequence: missense variant. On other transcripts: non-coding transcript variant (1).
Genome position (GRCh38, 1-based): chr5:126,810,238, G>A. VCF-style: chr5-126810238-G-A. GRCh37 (hg19) VCF-style: chr5-126145930-G-A.
Other names: c.71G>A, p.Arg24His (NM_001198557.2); c.701G>A (NM_005573.3); short protein forms R234H, R24H.
Identifiers: ClinVar variation 2168701 (VCV002168701.11), dbSNP rs780837845, ClinGen allele CA3390536.
Genomic context (GRCh38, chr5:126,810,238, plus strand): 5'-AGGAGATTAACGAGACCAGAAGGAAGCATGAAACGCGCTTGGTAGAGGTGGATTCTGGGC[G>A]TCAAATTGAGTATGAGTACAAGCTGGCGCAAGCCCTTCATGAGATGAGAGAGCAACATGA-3'
Protein context (NP_005564.1, residues 224-244): ETRLVEVDSG[Arg234His]QIEYEYKLAQ